The following is an entry in ClinVar:

ClinVar aggregate classification (germline): Uncertain significance. Review status: criteria provided, multiple submitters, no conflicts (2 of 4 stars). 4 submissions from 4 submitters: Uncertain significance (4). Last evaluated 2026-01-23.

Conditions:
Cardiovascular phenotype. Identifiers: MedGen CN230736.
Distal myopathy with posterior leg and anterior hand involvement. Also called: WILLIAMS DISTAL MYOPATHY. Identifiers: Orphanet 63273, MedGen C3279722, MONDO:0013550, OMIM 614065.
Myofibrillar myopathy 5. Also called: Filaminopathy (type); FILAMINOPATHY, AUTOSOMAL DOMINANT. Identifiers: Orphanet 171445, MedGen C1836050, MONDO:0012289, OMIM 609524.
Hypertrophic cardiomyopathy 26. Also called: Cardiomyopathy, familial hypertrophic, 26. Identifiers: Orphanet 75249, MedGen C4310749, MONDO:0014883, OMIM 617047.

Allele frequency attached by ClinVar (database versions not stated): gnomAD 0.00001; TOPMed 0.00001.
gnomAD v4.1: 22 of 1,613,754 alleles (0.0014%); highest among the groups gnomAD compares: Non-Finnish European, 0.0019%; no homozygotes.

Submissions (4):

GeneDx
Classification: Uncertain significance. Last evaluated: 2026-01-23. Review status: criteria provided, single submitter. Criteria: GeneDx Variant Classification Process June 2021. Collection method: clinical testing. Allele origin: germline.
Comment: Not observed at significant frequency in large population cohorts (gnomAD); In silico analysis supports that this missense variant has a deleterious effect on protein structure/function; Has not been previously published as pathogenic or benign to our knowledge

Labcorp Genetics (formerly Invitae), Labcorp
Classification: Uncertain significance for Distal myopathy with posterior leg and anterior hand involvement; Myofibrillar myopathy 5; Hypertrophic cardiomyopathy 26. Last evaluated: 2026-01-15. Review status: criteria provided, single submitter. Criteria: Invitae Variant Classification Sherloc (09022015). Collection method: clinical testing. Allele origin: germline.
Comment: This sequence change replaces asparagine, which is neutral and polar, with histidine, which is basic and polar, at codon 923 of the FLNC protein (p.Asn923His). This variant is not present in population databases (gnomAD no frequency). This variant has not been reported in the literature in individuals affected with FLNC-related conditions. ClinVar contains an entry for this variant (Variation ID: 580072). Invitae Evidence Modeling of protein sequence and biophysical properties (such as structural, functional, and spatial information, amino acid conservation, physicochemical variation, residue mobility, and thermodynamic stability) has been performed for this missense variant. However, the output from this modeling did not meet the statistical confidence thresholds required to predict the impact of this variant on FLNC protein function. In summary, the available evidence is currently insufficient to determine the role of this variant in disease. Therefore, it has been classified as a Variant of Uncertain Significance.

CeGaT Center for Human Genetics Tuebingen
Classification: Uncertain significance. Last evaluated: 2023-07-01. Review status: criteria provided, single submitter. Criteria: CeGaT Center For Human Genetics Tuebingen Variant Classification Criteria Version 2. Collection method: clinical testing. Allele origin: germline. Affected: yes. Observed: 1 variant allele.
Comment: FLNC: PM2

Ambry Genetics
Classification: Uncertain significance for Cardiovascular phenotype. Last evaluated: 2022-01-19. Review status: criteria provided, single submitter. Criteria: Ambry Variant Classification Scheme 2023. Collection method: clinical testing. Allele origin: germline.
Comment: The p.N923H variant (also known as c.2767A>C), located in coding exon 18 of the FLNC gene, results from an A to C substitution at nucleotide position 2767. The asparagine at codon 923 is replaced by histidine, an amino acid with similar properties. This amino acid position is conserved. In addition, the in silico prediction for this alteration is inconclusive. Since supporting evidence is limited at this time, the clinical significance of this alteration remains unclear.

NM_001458.5(FLNC):c.2767A>C (p.Asn923His)

Gene: FLNC (filamin C; plus strand). Cytogenetic location: 7q32.1.
Variant type: single nucleotide variant.
Coding change: c.2767A>C on transcript NM_001458.5 (MANE Select); coding-DNA position 2767, A replaced by C.
Protein change: p.Asn923His; replaces asparagine 923 with histidine.
Molecular consequence: missense variant.
Genome position (GRCh38, 1-based): chr7:128,843,533, A>C. VCF-style: chr7-128843533-A-C. GRCh37 (hg19) VCF-style: chr7-128483587-A-C.
Other names: c.2767A>C, p.Asn923His (NM_001127487.2); short protein forms N923H.
Identifiers: ClinVar variation 580072 (VCV000580072.37), dbSNP rs1420123492, ClinGen allele CA369193197.